The following is an entry in ClinVar:

NM_138694.4(PKHD1):c.7350+653A>G

Gene: PKHD1 (PKHD1 ciliary IPT domain containing fibrocystin/polyductin; minus strand). Cytogenetic location: 6p12.2.
Variant type: single nucleotide variant.
Coding change: c.7350+653A>G on transcript NM_138694.4 (MANE Select); 653 bases into the intron after coding-DNA position 7350, A replaced by G.
Molecular consequence: intron variant.
Genome position (GRCh38, 1-based): chr6:51,882,440, T>C on the plus strand (A>G on the coding strand, the complement: PKHD1 is on the minus strand). VCF-style: chr6-51882440-T-C. GRCh37 (hg19) VCF-style: chr6-51747238-T-C.
Other names: IVS46DS, A-G, +653; c.7350+653A>G (NM_170724.3).
Identifiers: ClinVar variation 551996 (VCV000551996.25), dbSNP rs1240212722, ClinGen allele CA658822578.
Genomic context (GRCh38, chr6:51,882,440, plus strand): 5'-ATTTTTATCTATAGCTGTGAAATAAATAATCTTCAATGGAAGTATAAGAATCAAAACTTA[T>C]CATTTAAATTTCAATTGAACTAAGCACTCAGGAACAAACTGAAGAGAATATTCTTCCTTG-3'

ClinVar aggregate classification (germline): Pathogenic. Review status: criteria provided, multiple submitters, no conflicts (2 of 4 stars). 11 submissions from 11 submitters: Pathogenic (9). 2 of the submissions do not count toward it. Last evaluated 2026-08-23.

Conditions:
PKHD1-related disorder. Also called: PKHD1-related condition.
Polycystic kidney disease 4 (PKD4). Also called: Autosomal Recessive Polycystic Kidney Disease – PKHD1; PKD3; POLYCYSTIC KIDNEY DISEASE 4 WITH OR WITHOUT POLYCYSTIC LIVER DISEASE; POLYCYSTIC KIDNEY AND HEPATIC DISEASE 1; POLYCYSTIC KIDNEY DISEASE, INFANTILE, TYPE I. Identifiers: MedGen C4540575, MONDO:0033004, OMIM 263200.
Autosomal recessive polycystic kidney disease (ARPKD). Also called: AR polycystic kidney disease. Identifiers: Orphanet 731, Orphanet 8378, MedGen C0085548, MeSH D017044, MONDO:0009889.

Allele frequency attached by ClinVar (database versions not stated): gnomAD 0.00001; TOPMed 0.00001.
gnomAD v4.1: 1 of 152,214 alleles (0.00066%); highest among the groups gnomAD compares: African/African-American, 0.0024%; no homozygotes.

Submissions (11):

PreventionGenetics, part of Exact Sciences
Classification: Pathogenic for PKHD1-related condition. Last evaluated: 2026-08-23. Review status: criteria provided, single submitter. Criteria: ACMG Guidelines, 2015. Collection method: clinical testing. Allele origin: germline.
Comment: The PKHD1 c.7350+653A>G variant is predicted to interfere with splicing. This variant has been reported to be pathogenic for autosomal recessive polycystic kidney disease (ARPKD) due to abnormal splicing (Michel-Calemard et al. 2009. PubMed ID: 19021639). In mRNA analysis of the Michel-Calemard et al. study, this variant was found to cause frameshifting and creation of a premature stop codon in exon 47 through inclusion of an 116bp-pseudoexon from intron 46. It was suggested to be likely a founder pathogenic variant in the French population. This variant has not been reported in a large population database (gnomAD), indicating this variant is rare. This variant is interpreted as pathogenic.

GeneDx
Classification: Pathogenic. Last evaluated: 2026-03-16. Review status: criteria provided, single submitter. Criteria: GeneDx Variant Classification Process June 2021. Collection method: clinical testing. Allele origin: germline.
Comment: Non-canonical splice site variant demonstrated to result in loss of function (PMID: 19021639); No data available from control populations to assess the frequency of this variant; This variant is associated with the following publications: (PMID: 30617278, 19021639, 39243181, 40816622)

Natera, Inc.
Classification: Pathogenic for Autosomal recessive polycystic kidney disease. Last evaluated: 2026-01-23. Review status: criteria provided, single submitter. Criteria: Natera Variant Classification Schema (03/2026). Collection method: clinical testing. Allele origin: germline.
Comment: The c.7350+653A>G variant in PKHD1 is an intronic variant located outside the canonical splice sites. This variant is rare in the general population with a frequency below the threshold expected for the associated phenotype(s). This variant has been observed in one or more individuals affected with the associated recessive disease, as either homozygous or compound heterozygous with a second variant (PMID: 19021639). Additionally, this variant has been observed to segregate in affected family members (PMID: 19021639). Functional studies show that this variant may disrupt protein function (PMID: 19021639). Given the available evidence, this variant is classified as Pathogenic.

Fulgent Genetics
Classification: Pathogenic for Polycystic kidney disease 4. Last evaluated: 2024-05-21. Review status: criteria provided, single submitter. Criteria: ACMG Guidelines, 2015. Collection method: clinical testing. Allele origin: germline.

Labcorp Genetics (formerly Invitae), Labcorp
Classification: Pathogenic for Autosomal recessive polycystic kidney disease. Last evaluated: 2023-11-13. Review status: criteria provided, single submitter. Criteria: Invitae Variant Classification Sherloc (09022015). Collection method: clinical testing. Allele origin: germline.
Comment: This sequence change falls in intron 46 of the PKHD1 gene. It does not directly change the encoded amino acid sequence of the PKHD1 protein. RNA analysis indicates that this variant induces altered splicing and may result in an absent or disrupted protein product. This variant is not present in population databases (gnomAD no frequency). This variant has been observed in individual(s) with autosomal recessive polycystic kidney disease (PMID: 19021639). In at least one individual the data is consistent with being in trans (on the opposite chromosome) from a pathogenic variant. This variant is also known as IVS46+653A>G. ClinVar contains an entry for this variant (Variation ID: 551996). Studies have shown that this variant results in the inclusion of a pseudoexon and introduces a premature termination codon (PMID: 19021639). The resulting mRNA is expected to undergo nonsense-mediated decay. For these reasons, this variant has been classified as Pathogenic.

Victorian Clinical Genetics Services, Murdoch Childrens Research Institute
Classification: Pathogenic for Polycystic kidney disease 4. Last evaluated: 2023-07-17. Review status: criteria provided, single submitter. Criteria: ACMG Guidelines, 2015. Collection method: clinical testing. Allele origin: germline. Inheritance: Autosomal recessive inheritance. Affected: yes.
Comment: Based on the classification scheme VCGS_Germline_v1.3.4, this variant is classified as Pathogenic. Following criteria are met: 0102 - Loss of function is a known mechanism of disease in this gene and is associated with polycystic kidney disease 4, with or without hepatic disease (MIM#263200). (I) 0106 - This gene is associated with autosomal recessive disease. (I) 0115 - Variants in this gene are known to have variable expressivity. There is significant intrafamilial variation of severity (GeneReviews). (I) 0210 - Splice site variant proven to affect splicing of the transcript with a known effect on protein sequence. Sequencing of cDNA has demonstrated that this variant results in the formation of a pseudoexon. The insertion of the 116bp newly recognised pseudoexon is responsible for the creation of a premature stop codon in exon 47 and is predicted to cause nonsense-mediated decay (NMD) and loss of protein (PMID:19021639). (SP) 0251 - This variant is heterozygous. (I) 0304 - Variant is present in gnomAD <0.01 (v3) for a recessive condition (1 heterozygote, 0 homozygotes). (SP) 0701 - Other NMD-predicted variants comparable to the one identified in this case have very strong previous evidence for pathogenicity. Many NMD-predicted variants have been reported as likely pathogenic/pathogenic (ClinVar). (SP) 0801 - This variant has strong previous evidence of pathogenicity in unrelated individuals. This variant has been reported as likely pathogenic and pathogenic in ClinVar. It has also been reported in multiple individuals with autosomal recessive polycystic kidney disease (PMID:19021639). (SP) 1201 - Heterozygous variant detected in trans with a second pathogenic heterozygous variant (NM_138694.3(PKHD1):c.5895dupA; p.(Leu1966Thrfs*4)) in a recessive disease. (I) Legend: (SP) - Supporting pathogenic, (I) - Information, (SB) - Supporting benign

Women's Health and Genetics/Laboratory Corporation of America, LabCorp
Classification: Pathogenic for Autosomal recessive polycystic kidney disease. Last evaluated: 2023-06-07. Review status: criteria provided, single submitter. Criteria: LabCorp Variant Classification Summary - May 2015. Collection method: clinical testing. Allele origin: germline.
Comment: Variant summary: PKHD1 c.7350+653A>G is located at a position not widely known to affect splicing, however several computational tools predict a significant impact on normal splicing: Three predict the variant creates a cryptic 5' donor site. This has been confirmed via cDNA sequencing of patient tissues, which showed the variant transcript had inclusion of a pseudoexon that results in a predicted frameshift: p.Gly2451fs (Michel-Calemard_2009). The variant was absent in 31404 control chromosomes (gnomAD). c.7350+653A>G has been reported in the literature in the compound heterozygous state in multiple individuals affected with Polycystic Kidney And Hepatic Disease (Michel-Calemard_2009). These data indicate that the variant is very likely to be associated with disease. The following publication has been ascertained in the context of this evaluation (PMID: 19021639). Four ClinVar submitters have assessed the variant since 2014: one classified the variant as likely pathogenic and three as pathogenic. Based on the evidence outlined above, the variant was classified as pathogenic.

Baylor Genetics
Classification: Pathogenic for Polycystic kidney disease 4. Last evaluated: 2023-05-31. Review status: criteria provided, single submitter. Criteria: ACMG Guidelines, 2015. Collection method: clinical testing. Allele origin: unknown.

Blueprint Genetics
Classification: Pathogenic for PKHD1-related disorders. Last evaluated: 2022-12-22. Review status: criteria provided, single submitter. Criteria: ACMG Guidelines, 2015. Collection method: clinical testing. Allele origin: germline. Affected: yes. Observed: 3 variant alleles.

Counsyl
Classification: Likely pathogenic for Polycystic kidney disease 4. Last evaluated: 2017-05-18. Review status: no assertion criteria provided. Collection method: clinical testing. Allele origin: unknown. Not counted in ClinVar's aggregate classification.

OMIM
Classification: Pathogenic for POLYCYSTIC KIDNEY DISEASE 4. Last evaluated: 2009-02-01. Review status: no assertion criteria provided. Collection method: literature only. Allele origin: germline. Not counted in ClinVar's aggregate classification.

Literature cited by the submitters: PubMed 19021639 (cited by 6 submitters).